The following is an entry in ClinVar:

NM_001276270.2(MBD4):c.1253_1254del (p.Lys418fs)

Gene: MBD4 (methyl-CpG binding domain 4, DNA glycosylase; minus strand). Cytogenetic location: 3q21.3.
Variant type: Deletion.
Coding change: c.1253_1254del on transcript NM_001276270.2 (MANE Select); coding-DNA positions 1253 to 1254, 2 bases deleted (AA; older notation c.1253_1254delAA).
Protein change: p.Lys418fs; shifts the reading frame from lysine 418.
Molecular consequence: frameshift variant.
Genome position (GRCh38, 1-based): chr3:129,434,066-129,434,067, TT deleted on the plus strand (AA on the coding strand, the reverse complement: MBD4 is on the minus strand); deleting any 2 consecutive bases within chr3:129,434,066-129,434,068 gives the same sequence; the c. name uses the placement nearest the transcript's 3' end. VCF-style (leftmost placement, unchanged base first): chr3-129434065-CTT-C. GRCh37 (hg19) VCF-style: chr3-129152908-CTT-C.
Other names: c.1271_1272del, p.Lys424fs (NM_001276271.2, NM_001276272.2, NM_003925.3); c.317_318del, p.Lys106fs (NM_001276273.2); short protein forms K106fs, K418fs, K424fs.
Identifiers: ClinVar variation 2654123 (VCV002654123.24), dbSNP rs962932495, ClinGen allele CA2695199286.

ClinVar aggregate classification (germline): Pathogenic (1 of 4 stars; one submission).

Submission:

CeGaT Center for Human Genetics Tuebingen
Classification: Pathogenic. Last evaluated: 2023-04-01. Review status: criteria provided, single submitter. Criteria: CeGaT Center For Human Genetics Tuebingen Variant Classification Criteria Version 2. Collection method: clinical testing. Allele origin: germline. Affected: yes. Observed: 1 variant allele.
Comment: MBD4: PVS1, PM2